The following is an entry in ClinVar:

NM_000071.3(CBS):c.284T>A (p.Ile95Asn)

Gene: CBS (cystathionine beta-synthase; minus strand). Cytogenetic location: 21q22.3.
Variant type: single nucleotide variant.
Coding change: c.284T>A on transcript NM_000071.3 (MANE Select); coding-DNA position 284, T replaced by A.
Protein change: p.Ile95Asn; replaces isoleucine 95 with asparagine.
Molecular consequence: missense variant.
Genome position (GRCh38, 1-based): chr21:43,068,541, A>T on the plus strand (T>A on the coding strand, the complement: CBS is on the minus strand). VCF-style: chr21-43068541-A-T. GRCh37 (hg19) VCF-style: chr21-44488651-A-T.
Other names: c.284T>A, p.Ile95Asn (NM_001178008.3, NM_001178009.3, NM_001320298.2); short protein forms I95N.
Identifiers: ClinVar variation 2908113 (VCV002908113.4), dbSNP rs1347662650, ClinGen allele CA410602048.

ClinVar aggregate classification (germline): Conflicting classifications of pathogenicity. Review status: criteria provided, conflicting classifications (1 of 4 stars). 2 submissions from 2 submitters: Likely pathogenic (1); Uncertain significance (1). Last evaluated 2025-12-31.

Conditions:
HYPERHOMOCYSTEINEMIA, THROMBOTIC, CBS-RELATED. Identifiers: MedGen C3150344, OMIM 236200.
Classic homocystinuria. Also called: Homocystinuria due to Cystathionine Beta-Synthase Deficiency; Homocystinuria due to CBS deficiency; Cystathionine beta-synthase deficiency; CBS deficiency; HOMOCYSTINURIA WITH OR WITHOUT RESPONSE TO PYRIDOXINE. Identifiers: Orphanet 394, MedGen C0751202, MONDO:0009352, OMIM 236200.

Submissions (2):

Myriad Genetics, Inc.
Classification: Uncertain significance for Classic homocystinuria. Last evaluated: 2025-12-31. Review status: criteria provided, single submitter. Criteria: Myriad Autosomal Dominant, Autosomal Recessive and X-Linked Classification Criteria (2023). Collection method: clinical testing. Allele origin: unknown.
Comment: NM_000071.2(CBS):c.284T>A(I95N) is a missense variant classified as a variant of uncertain significance in the context of homocystinuria, CBS-related. I95N has not been observed in cases with relevant disease. Relevant functional assessments of this variant are not available in the literature. I95N has not been observed in referenced population frequency databases. In summary, there is insufficient evidence to classify NM_000071.2(CBS):c.284T>A(I95N) as pathogenic or benign. Please note: this variant was assessed in the context of healthy population screening.

Labcorp Genetics (formerly Invitae), Labcorp
Classification: Likely pathogenic for HYPERHOMOCYSTEINEMIA, THROMBOTIC, CBS-RELATED. Last evaluated: 2023-09-27. Review status: criteria provided, single submitter. Criteria: Invitae Variant Classification Sherloc (09022015). Collection method: clinical testing. Allele origin: germline.
Comment: This sequence change replaces isoleucine, which is neutral and non-polar, with asparagine, which is neutral and polar, at codon 95 of the CBS protein (p.Ile95Asn). This variant is not present in population databases (gnomAD no frequency). This variant has not been reported in the literature in individuals affected with CBS-related conditions. Advanced modeling of protein sequence and biophysical properties (such as structural, functional, and spatial information, amino acid conservation, physicochemical variation, residue mobility, and thermodynamic stability) performed at Invitae indicates that this missense variant is expected to disrupt CBS protein function. This variant disrupts the p.Ile95 amino acid residue in CBS. Other variant(s) that disrupt this residue have been determined to be pathogenic (PMID: 29352562; Invitae). This suggests that this residue is clinically significant, and that variants that disrupt this residue are likely to be disease-causing. In summary, the currently available evidence indicates that the variant is pathogenic, but additional data are needed to prove that conclusively. Therefore, this variant has been classified as Likely Pathogenic.

Literature cited by the submitters: PubMed 29352562 (cited by Labcorp Genetics (formerly Invitae), Labcorp).